The following is an entry in ClinVar:

ClinVar aggregate classification (germline): Uncertain significance. Review status: criteria provided, multiple submitters, no conflicts (2 of 4 stars). 2 submissions from 2 submitters: Uncertain significance (2). Last evaluated 2023-07-05.

Conditions:
Inborn genetic diseases. Identifiers: MedGen C0950123, MeSH D030342.

Allele frequency attached by ClinVar (database versions not stated): gnomAD exomes below 0.00001; TOPMed 0.00002.
gnomAD v4.1: 6 of 1,614,212 alleles (0.00037%); highest among the groups gnomAD compares: African/African-American, 0.0027%; no homozygotes.

Submissions (2):

Ambry Genetics
Classification: Uncertain significance for Inborn genetic diseases. Last evaluated: 2023-07-05. Review status: criteria provided, single submitter. Criteria: Ambry Variant Classification Scheme 2023. Collection method: clinical testing. Allele origin: germline.

Labcorp Genetics (formerly Invitae), Labcorp
Classification: Uncertain significance. Last evaluated: 2022-07-12. Review status: criteria provided, single submitter. Criteria: Invitae Variant Classification Sherloc (09022015). Collection method: clinical testing. Allele origin: germline.
Comment: Algorithms developed to predict the effect of missense changes on protein structure and function (SIFT, PolyPhen-2, Align-GVGD) all suggest that this variant is likely to be tolerated. In summary, the available evidence is currently insufficient to determine the role of this variant in disease. Therefore, it has been classified as a Variant of Uncertain Significance. ClinVar contains an entry for this variant (Variation ID: 939219). This variant has not been reported in the literature in individuals affected with EMC1-related conditions. This variant is present in population databases (no rsID available, gnomAD 0.0009%). This sequence change replaces isoleucine, which is neutral and non-polar, with threonine, which is neutral and polar, at codon 493 of the EMC1 protein (p.Ile493Thr).

NM_015047.3(EMC1):c.1478T>C (p.Ile493Thr)

Genes: EMC1 (ER membrane protein complex subunit 1; minus strand), EMC1-AS1 (EMC1 antisense RNA 1; plus strand). Cytogenetic location: 1p36.13.
Variant type: single nucleotide variant.
Coding change: c.1478T>C on transcript NM_015047.3 (MANE Select); coding-DNA position 1478, T replaced by C.
Protein change: p.Ile493Thr; replaces isoleucine 493 with threonine.
Molecular consequence: missense variant.
Genome position (GRCh38, 1-based): chr1:19,233,090, A>G on the plus strand (T>C on the coding strand, the complement: EMC1 is on the minus strand). VCF-style: chr1-19233090-A-G. GRCh37 (hg19) VCF-style: chr1-19559584-A-G.
Other names: c.1475T>C, p.Ile492Thr (NM_001271427.2, NM_001271428.2); c.1412T>C, p.Ile471Thr (NM_001271429.2); c.1487T>C, p.Ile496Thr (NM_001375820.1); c.1484T>C, p.Ile495Thr (NM_001375821.1); c.1478T>C (NM_015047.1); short protein forms I493T, I496T, I495T, I471T, I492T.
Identifiers: ClinVar variation 939219 (VCV000939219.11), dbSNP rs941950774, ClinGen allele CA18816144.